The following is an entry in ClinVar:

NM_007126.5(VCP):c.1486C>T (p.Pro496Ser)

Gene: VCP (valosin containing protein; minus strand). Cytogenetic location: 9p13.3.
Variant type: single nucleotide variant.
Coding change: c.1486C>T on transcript NM_007126.5 (MANE Select); coding-DNA position 1486, C replaced by T.
Protein change: p.Pro496Ser; replaces proline 496 with serine.
Molecular consequence: missense variant.
Genome position (GRCh38, 1-based): chr9:35,060,522, G>A on the plus strand (C>T on the coding strand, the complement: VCP is on the minus strand). VCF-style: chr9-35060522-G-A. GRCh37 (hg19) VCF-style: chr9-35060519-G-A.
Other names: c.1351C>T, p.Pro451Ser (NM_001354927.2, NM_001354928.2); short protein forms P451S, P496S.
Identifiers: ClinVar variation 4792976 (VCV004792976.1).
Genomic context (GRCh38, chr9:35,060,522, plus strand): 5'-ACAGAACTCCCTTGGAAGGTGTCATGCCAAACTTCAGGAATTTGTCTGGGTGCTCCACAG[G>A]ATACTAGGAGGAAAAGGAAAGAGGGTTCAAGGCTACCTCCACATTTTGAAAGAAACCTAA-3'
Protein context (NP_009057.1, residues 486-506): KRELQELVQY[Pro496Ser]VEHPDKFLKF

ClinVar aggregate classification (germline): Uncertain significance (1 of 4 stars; one submission).

Conditions:
Inclusion body myopathy with Paget disease of bone and frontotemporal dementia. Also called: Inclusion body myopathy with early-onset Paget disease and frontotemporal dementia. Identifiers: Orphanet 52430, MedGen C1833662, MONDO:0000507.
Frontotemporal dementia and/or amyotrophic lateral sclerosis 6 (FTDALS6). Also called: VCP-Related Amyotrophic Lateral Sclerosis; VCP-Related Amyotrophic Lateral Sclerosis/Frontotemporal Dementia. Identifiers: Orphanet 275872, Orphanet 803, MedGen C5436279, MONDO:0013501, OMIM 613954.

Submission:

Labcorp Genetics (formerly Invitae), Labcorp
Classification: Uncertain significance for Inclusion body myopathy with Paget disease of bone and frontotemporal dementia; Frontotemporal dementia and/or amyotrophic lateral sclerosis 6. Last evaluated: 2025-09-06. Review status: criteria provided, single submitter. Criteria: Invitae Variant Classification Sherloc (09022015). Collection method: clinical testing. Allele origin: germline.
Comment: This sequence change replaces proline, which is neutral and non-polar, with serine, which is neutral and polar, at codon 496 of the VCP protein (p.Pro496Ser). This variant is not present in population databases (gnomAD no frequency). This variant has not been reported in the literature in individuals affected with VCP-related conditions. Invitae Evidence Modeling of protein sequence and biophysical properties (such as structural, functional, and spatial information, amino acid conservation, physicochemical variation, residue mobility, and thermodynamic stability) indicates that this missense variant is not expected to disrupt VCP protein function with a negative predictive value of 80%. In summary, the available evidence is currently insufficient to determine the role of this variant in disease. Therefore, it has been classified as a Variant of Uncertain Significance.